The following is an entry in ClinVar:

ClinVar aggregate classification (germline): Uncertain significance. Review status: criteria provided, multiple submitters, no conflicts (2 of 4 stars). 2 submissions from 2 submitters: Uncertain significance (2). Last evaluated 2024-09-03.

Conditions:
Inborn genetic diseases. Identifiers: MedGen C0950123, MeSH D030342.

Allele frequency attached by ClinVar (database versions not stated): TOPMed below 0.00001; gnomAD 0.00001; gnomAD exomes 0.00002.
gnomAD v4.1: 27 of 1,612,886 alleles (0.0017%); highest among the groups gnomAD compares: Non-Finnish European, 0.0023%; no homozygotes.

Submissions (2):

Ambry Genetics
Classification: Uncertain significance for Inborn genetic diseases. Last evaluated: 2024-09-03. Review status: criteria provided, single submitter. Criteria: Ambry Variant Classification Scheme 2023. Collection method: clinical testing. Allele origin: germline.

Labcorp Genetics (formerly Invitae), Labcorp
Classification: Uncertain significance. Last evaluated: 2021-12-29. Review status: criteria provided, single submitter. Criteria: Invitae Variant Classification Sherloc (09022015). Collection method: clinical testing. Allele origin: germline.
Comment: This variant is not present in population databases (gnomAD no frequency). In summary, the available evidence is currently insufficient to determine the role of this variant in disease. Therefore, it has been classified as a Variant of Uncertain Significance. Algorithms developed to predict the effect of missense changes on protein structure and function (SIFT, PolyPhen-2, Align-GVGD) all suggest that this variant is likely to be disruptive. This variant has not been reported in the literature in individuals affected with FTO-related conditions. This sequence change replaces alanine, which is neutral and non-polar, with serine, which is neutral and polar, at codon 311 of the FTO protein (p.Ala311Ser).

NM_001080432.3(FTO):c.931G>T (p.Ala311Ser)

Gene: FTO (FTO alpha-ketoglutarate dependent dioxygenase; plus strand). Cytogenetic location: 16q12.2.
Variant type: single nucleotide variant.
Coding change: c.931G>T on transcript NM_001080432.3 (MANE Select); coding-DNA position 931, G replaced by T.
Protein change: p.Ala311Ser; replaces alanine 311 with serine.
Molecular consequence: missense variant.
Genome position (GRCh38, 1-based): chr16:53,873,821, G>T. VCF-style: chr16-53873821-G-T. GRCh37 (hg19) VCF-style: chr16-53907733-G-T.
Other names: c.961G>T, p.Ala321Ser (NM_001363891.2, NM_001363898.2); c.931G>T, p.Ala311Ser (NM_001363894.2, NM_001363896.2, NM_001363900.2 and 2 more transcripts); c.853G>T, p.Ala285Ser (NM_001363897.2); c.817G>T, p.Ala273Ser (NM_001363899.2); c.787G>T, p.Ala263Ser (NM_001363901.2); c.418G>T, p.Ala140Ser (NM_001363905.2); short protein forms A140S, A263S, A285S, A311S, A273S, A321S.
Identifiers: ClinVar variation 1445400 (VCV001445400.9), dbSNP rs200152693, ClinGen allele CA281969777.
Genomic context (GRCh38, chr16:53,873,821, plus strand): 5'-TACATTTCTGGTGTTTTTCCTGTAGATGATCTCAATGCCACCCACCAACACTGTGTTTTG[G>T]CCGGTTCACAACCTCGGTTTAGTTCCACCCACCGAGTGGCAGAGGTAAGTGTAAATAAAA-3'
Protein context (NP_001073901.1, residues 301-321): LNATHQHCVL[Ala311Ser]GSQPRFSSTH